The following is an entry in ClinVar:

ClinVar aggregate classification (germline): Uncertain significance. Review status: criteria provided, multiple submitters, no conflicts (2 of 4 stars). 2 submissions from 2 submitters: Uncertain significance (2). Last evaluated 2025-01-15.

gnomAD v4.1: 6 of 1,613,452 alleles (0.00037%); highest among the groups gnomAD compares: Admixed American, 0.0067%; no homozygotes.

Submissions (2):

Labcorp Genetics (formerly Invitae), Labcorp
Classification: Uncertain significance. Last evaluated: 2025-01-15. Review status: criteria provided, single submitter. Criteria: Invitae Variant Classification Sherloc (09022015). Collection method: clinical testing. Allele origin: germline.
Comment: This sequence change replaces aspartic acid, which is acidic and polar, with asparagine, which is neutral and polar, at codon 4 of the NFKB1 protein (p.Asp4Asn). This variant is not present in population databases (gnomAD no frequency). This variant has not been reported in the literature in individuals affected with NFKB1-related conditions. An algorithm developed to predict the effect of missense changes on protein structure and function (PolyPhen-2) suggests that this variant is likely to be tolerated. In summary, the available evidence is currently insufficient to determine the role of this variant in disease. Therefore, it has been classified as a Variant of Uncertain Significance.

GeneDx
Classification: Uncertain significance. Last evaluated: 2024-12-02. Review status: criteria provided, single submitter. Criteria: GeneDx Variant Classification Process June 2021. Collection method: clinical testing. Allele origin: germline. Affected: yes.
Comment: Not observed at significant frequency in large population cohorts (gnomAD); In silico analysis indicates that this missense variant does not alter protein structure/function; In silico analysis is inconclusive as to whether the variant alters gene splicing. In the absence of RNA/functional studies, the actual effect of this sequence change is unknown.; Has not been previously published as pathogenic or benign to our knowledge

NM_003998.4(NFKB1):c.10G>A (p.Asp4Asn)

Gene: NFKB1 (nuclear factor kappa B subunit 1; plus strand). Cytogenetic location: 4q24.
Variant type: single nucleotide variant.
Coding change: c.10G>A on transcript NM_003998.4 (MANE Select); coding-DNA position 10, G replaced by A.
Protein change: p.Asp4Asn; replaces aspartic acid 4 with asparagine.
Molecular consequence: missense variant. On other transcripts: intron variant (1).
Genome position (GRCh38, 1-based): chr4:102,525,528, G>A. VCF-style: chr4-102525528-G-A. GRCh37 (hg19) VCF-style: chr4-103446685-G-A.
Other names: c.10G>A, p.Asp4Asn (NM_001382626.1, NM_001382627.1, NM_001165412.2 and 2 more transcripts); c.1-4308G>A (NM_001382628.1); c.10G>A (NM_003998.3); short protein forms D4N.
Identifiers: ClinVar variation 3632470 (VCV003632470.3).
Genomic context (GRCh38, chr4:102,525,528, plus strand): 5'-CATTCTAGTGTTACAGTTTTGTTTTGTTTTGTTTTAATACACAGCTTCAGAATGGCAGAA[G>A]ATGATCCATATTTGGGAAGGCCTGAACAAGTAAGTGTCATAATCTCACTGATAACTTTAT-3'
Protein context (NP_003989.2, residues 1-14): MAE[Asp4Asn]DPYLGRPEQM